The following is an entry in ClinVar:

ClinVar aggregate classification (germline): Benign. Review status: criteria provided, multiple submitters, no conflicts (2 of 4 stars). 23 submissions from 23 submitters: Benign (17). 6 of the submissions do not count toward it. Last evaluated 2026-02-04.

Conditions:
Inborn genetic diseases. Identifiers: MedGen C0950123, MeSH D030342.
Wilson disease (WND). Also called: Wilson's disease. Identifiers: Orphanet 905, MedGen C0019202, MONDO:0010200, OMIM 277900. Disease mechanism: loss of function.

Allele frequency attached by ClinVar (database versions not stated): ESP Exome Variant Server 0.55217; 1000 Genomes Project 30x 0.51077; TOPMed 0.53157; 1000 Genomes Project 0.50240; ExAC 0.53844; gnomAD exomes 0.53894; gnomAD 0.54674.
gnomAD v4.1: 907,251 of 1,613,790 alleles (56%); highest among the groups gnomAD compares: Middle Eastern, 63%; 256,999 homozygotes.

Submissions (23):

Labcorp Genetics (formerly Invitae), Labcorp
Classification: Benign for Wilson disease. Last evaluated: 2026-02-04. Review status: criteria provided, single submitter. Criteria: Invitae Variant Classification Sherloc (09022015). Collection method: clinical testing. Allele origin: germline.

Blueprint Genetics
Classification: Benign. Last evaluated: 2024-11-27. Review status: criteria provided, single submitter. Criteria: ACMG Guidelines, 2015. Collection method: clinical testing. Allele origin: germline.

All of Us Research Program, National Institutes of Health
Classification: Benign for Wilson disease. Last evaluated: 2024-10-03. Review status: criteria provided, single submitter. Criteria: ACMG Guidelines, 2015. Collection method: clinical testing. Allele origin: germline. Inheritance: Autosomal recessive inheritance. Observed: 114,788 variant alleles, 70,107 heterozygotes, 44,656 homozygotes, 25 hemizygotes.
Comment: This study involves interpretation of variants in research participants for the purpose of population health screening. Participant phenotype was not available at the time of variant classification. Additional details can be found in publication PMID: 35346344, PMCID: PMC8962531

Mayo Clinic Laboratories, Mayo Clinic
Classification: Benign. Last evaluated: 2023-01-06. Review status: criteria provided, single submitter. Criteria: ACMG Guidelines, 2015. Collection method: clinical testing. Allele origin: germline. Observed: 2,151 variant alleles.
Comment: BA1

ARUP Laboratories, Molecular Genetics and Genomics, ARUP Laboratories
Classification: Benign for Wilson disease. Last evaluated: 2022-03-08. Review status: criteria provided, single submitter. Criteria: ARUP Molecular Germline Variant Investigation Process 2021. Collection method: clinical testing. Allele origin: germline.

Genome-Nilou Lab
Classification: Benign for Wilson disease. Last evaluated: 2021-07-01. Review status: criteria provided, single submitter. Criteria: ACMG Guidelines, 2015. Collection method: clinical testing. Allele origin: germline. Affected: no.

Mendelics
Classification: Benign for Wilson disease. Last evaluated: 2019-05-28. Review status: criteria provided, single submitter. Criteria: Mendelics Assertion Criteria 2017. Collection method: clinical testing. Allele origin: unknown.

SIB Swiss Institute of Bioinformatics
Classification: Benign for Wilson disease. Last evaluated: 2018-05-31. Review status: criteria provided, single submitter. Criteria: ACMG Guidelines, 2015. Collection method: curation. Allele origin: unknown.
Comment: This variant is interpreted as a Benign - Stand Alone, for Wilson disease, in Autosomal Recessive manner. The following ACMG Tag(s) were applied: BA1 => Allele frequency is >5% in Exome Sequencing Project, 1000 Genomes Project, or Exome Aggregation Consortium.

Illumina Laboratory Services, Illumina
Classification: Benign for Wilson disease. Last evaluated: 2018-03-06. Review status: criteria provided, single submitter. Criteria: ICSL Variant Classification Criteria 13 December 2019. Collection method: clinical testing. Allele origin: germline.
Comment: This variant was observed in the ICSL laboratory as part of a predisposition screen in an ostensibly healthy population. It had not been previously curated by ICSL or reported in the Human Gene Mutation Database (HGMD: prior to June 1st, 2018), and was therefore a candidate for classification through an automated scoring system. Utilizing variant allele frequency, disease prevalence and penetrance estimates, and inheritance mode, an automated score was calculated to assess if this variant is too frequent to cause the disease. Based on the score and internal cut-off values, a variant classified as benign is not then subjected to further curation. The score for this variant resulted in a classification of benign for this disease.

Color Diagnostics, LLC DBA Color Health
Classification: Benign for Wilson disease. Last evaluated: 2018-03-05. Review status: criteria provided, single submitter. Criteria: ACMG Guidelines, 2015. Collection method: clinical testing. Allele origin: germline.

Ambry Genetics
Classification: Benign for Inborn genetic diseases. Last evaluated: 2016-07-01. Review status: criteria provided, single submitter. Criteria: Ambry Variant Classification Scheme 2023. Collection method: clinical testing. Allele origin: germline.

Eurofins Ntd Llc (ga)
Classification: Benign. Last evaluated: 2016-04-27. Review status: criteria provided, single submitter. Criteria: EGL Classification Definitions 2015. Collection method: clinical testing. Allele origin: germline. Observed: 55 variant alleles, 31 heterozygotes, 24 homozygotes.

GeneDx
Classification: Benign. Last evaluated: 2016-01-05. Review status: criteria provided, single submitter. Criteria: GeneDx Variant Classification (06012015). Collection method: clinical testing. Allele origin: germline. Affected: yes.
Comment: This variant is considered likely benign or benign based on one or more of the following criteria: it is a conservative change, it occurs at a poorly conserved position in the protein, it is predicted to be benign by multiple in silico algorithms, and/or has population frequency not consistent with disease.

Genetic Services Laboratory, University of Chicago
Classification: Benign. Last evaluated: 2013-02-08. Review status: criteria provided, single submitter. Criteria: ACMG Guidelines, 2007. Collection method: clinical testing. Allele origin: germline. Inheritance: Autosomal recessive inheritance.

Women's Health and Genetics/Laboratory Corporation of America, LabCorp
Classification: Benign for Wilson Disease. Last evaluated: 2011-08-18. Review status: criteria provided, single submitter. Criteria: LabCorp Variant Classification Summary - May 2015. Collection method: curation, clinical testing. Allele origin: germline. Inheritance: autosomal unknown. Affected: yes.
ClinVar note: Converted during submission from benign to Benign.

Breakthrough Genomics
Classification: Benign. Review status: criteria provided, single submitter. Criteria: ACMG Guidelines, 2015. Collection method: not provided. Allele origin: germline. Inheritance: Autosomal recessive inheritance. Affected: yes.

PreventionGenetics, part of Exact Sciences
Classification: Benign. Review status: criteria provided, single submitter. Criteria: ACMG Guidelines, 2015. Collection method: clinical testing. Allele origin: germline.

Natera, Inc.
Classification: Benign for Wilson disease. Last evaluated: 2020-09-16. Review status: no assertion criteria provided. Collection method: clinical testing. Allele origin: germline. Not counted in ClinVar's aggregate classification.

Clinical Genetics, Academic Medical Center
Classification: Benign. Review status: no assertion criteria provided. Collection method: clinical testing. Allele origin: germline. Affected: yes. Study: VKGL Data-share Consensus. Not counted in ClinVar's aggregate classification.

Department of Pathology and Laboratory Medicine, Sinai Health System
Classification: Uncertain significance. Review status: no assertion criteria provided. Collection method: clinical testing. Allele origin: unknown. Affected: yes. Study: The Canadian Open Genetics Repository (COGR). Not counted in ClinVar's aggregate classification.
Comment: multiple AR variants in same gene - keep for nowAllele frequency is common in at least one population database (frequency: 60.857% in ExAC) based on the frequency threshold of 2.434% for this gene.Variant was observed in a homozygous state in population databases more than expected for disease.10 reputable source/s reports the variant as benign, but the evidence is not available to the laboratory to perform an independent evaluation.

Diagnostic Laboratory, Department of Genetics, University Medical Center Groningen
Classification: Benign for Wilson disease. Review status: no assertion criteria provided. Collection method: clinical testing. Allele origin: germline. Affected: yes. Study: VKGL Data-share Consensus. Not counted in ClinVar's aggregate classification.

Genome Diagnostics Laboratory, Amsterdam University Medical Center
Classification: Benign. Review status: no assertion criteria provided. Collection method: clinical testing. Allele origin: germline. Affected: yes. Study: VKGL Data-share Consensus. Not counted in ClinVar's aggregate classification.

Joint Genome Diagnostic Labs from Nijmegen and Maastricht, Radboudumc and MUMC+
Classification: Benign. Review status: no assertion criteria provided. Collection method: clinical testing. Allele origin: germline. Affected: yes. Study: VKGL Data-share Consensus. Not counted in ClinVar's aggregate classification.

Literature cited by the submitters: PubMed 11405812 (cited by Women's Health and Genetics/Laboratory Corporation of America, LabCorp).

NM_000053.4(ATP7B):c.2495A>G (p.Lys832Arg)

Gene: ATP7B (ATPase copper transporting beta; minus strand). Cytogenetic location: 13q14.3.
Variant type: single nucleotide variant.
Coding change: c.2495A>G on transcript NM_000053.4 (MANE Select); coding-DNA position 2495, A replaced by G.
Protein change: p.Lys832Arg; replaces lysine 832 with arginine.
Molecular consequence: missense variant.
Genome position (GRCh38, 1-based): chr13:51,950,352, T>C on the plus strand (A>G on the coding strand, the complement: ATP7B is on the minus strand). VCF-style: chr13-51950352-T-C. GRCh37 (hg19) VCF-style: chr13-52524488-T-C.
Other names: NM_000053.3(ATP7B):c.2495A>G(p.Lys832Arg); NM_001005918.2(ATP7B):c.2009A>G(p.Lys670Arg); NM_001243182.1(ATP7B):c.2162A>G(p.Lys721Arg); c.2009A>G, p.Lys670Arg (NM_001005918.3); c.2162A>G, p.Lys721Arg (NM_001243182.2); c.2261A>G, p.Lys754Arg (NM_001330578.2); c.2243A>G, p.Lys748Arg (NM_001330579.2); short protein forms K832R, K670R, K721R, K754R, K748R.
Identifiers: ClinVar variation 35707 (VCV000035707.48), dbSNP rs1061472, ClinGen allele CA145674.
Genomic context (GRCh38, chr13:51,950,352, plus strand): 5'-GCCATGGTATTGCCTTCCAGGACTTTCCCATCCACTGGAAACTTTCCCCCAGGGACCACC[T>C]TGACGATATCGCCCCGCTGCACCAGCTCCATGGGGACTTGCTCCTCCCTGCAACAAACGC-3'
Protein context (NP_000044.2, residues 822-842): MELVQRGDIV[Lys832Arg]VVPGGKFPVD